The following is an entry in ClinVar:

NM_001127208.3(TET2):c.4343G>A (p.Ser1448Asn)

Genes: TET2 (tet methylcytosine dioxygenase 2; plus strand), TET2-AS1 (TET2 antisense RNA 1; minus strand). Cytogenetic location: 4q24.
Variant type: single nucleotide variant.
Coding change: c.4343G>A on transcript NM_001127208.3 (MANE Select); coding-DNA position 4343, G replaced by A.
Protein change: p.Ser1448Asn; replaces serine 1448 with asparagine.
Molecular consequence: missense variant.
Genome position (GRCh38, 1-based): chr4:105,272,724, G>A. VCF-style: chr4-105272724-G-A. GRCh37 (hg19) VCF-style: chr4-106193881-G-A.
Other names: short protein forms S1448N.
Identifiers: ClinVar variation 4692138 (VCV004692138.1).

ClinVar aggregate classification (germline): Uncertain significance (1 of 4 stars; one submission).

gnomAD v4.1: 99 of 1,551,596 alleles (0.0064%); highest among the groups gnomAD compares: Non-Finnish European, 0.0083%; no homozygotes.

Submission:

Labcorp Genetics (formerly Invitae), Labcorp
Classification: Uncertain significance. Last evaluated: 2025-11-10. Review status: criteria provided, single submitter. Criteria: Invitae Variant Classification Sherloc (09022015). Collection method: clinical testing. Allele origin: germline.
Comment: This sequence change replaces serine, which is neutral and polar, with asparagine, which is neutral and polar, at codon 1448 of the TET2 protein (p.Ser1448Asn). This variant is present in population databases (no rsID available, gnomAD 0.02%). This variant has not been reported in the literature in individuals affected with TET2-related conditions. An algorithm developed to predict the effect of missense changes on protein structure and function outputs the following: PolyPhen-2: "Benign". The asparagine amino acid residue is found in multiple mammalian species, which suggests that this missense change does not adversely affect protein function. In summary, the available evidence is currently insufficient to determine the role of this variant in disease. Therefore, it has been classified as a Variant of Uncertain Significance.